The following is an entry in ClinVar:

NM_002291.3(LAMB1):c.5182del (p.Thr1728fs)

Gene: LAMB1 (laminin subunit beta 1; minus strand). Cytogenetic location: 7q31.1.
Variant type: Deletion.
Coding change: c.5182del on transcript NM_002291.3 (MANE Select); coding-DNA position 5182, one base deleted (A; older notation c.5182delA).
Protein change: p.Thr1728fs; shifts the reading frame from threonine 1728.
Molecular consequence: frameshift variant.
Genome position (GRCh38, 1-based): chr7:107,924,272, T deleted on the plus strand (A on the coding strand, the reverse complement: LAMB1 is on the minus strand); the first of 5 consecutive T bases (chr7:107,924,272-107,924,276); deleting any one gives the same sequence. VCF-style (leftmost placement, unchanged base first): chr7-107924271-GT-G. GRCh37 (hg19) VCF-style: chr7-107564716-GT-G.
Other names: short protein forms T1728fs.
Identifiers: ClinVar variation 1523350 (VCV001523350.6), dbSNP rs2116301035, ClinGen allele CA645552497.

ClinVar aggregate classification (germline): Uncertain significance (1 of 4 stars; one submission).

Submission:

Labcorp Genetics (formerly Invitae), Labcorp
Classification: Uncertain significance. Last evaluated: 2022-08-09. Review status: criteria provided, single submitter. Criteria: Invitae Variant Classification Sherloc (09022015). Collection method: clinical testing. Allele origin: germline.
Comment: In summary, the available evidence is currently insufficient to determine the role of this variant in disease. Therefore, it has been classified as a Variant of Uncertain Significance. Experimental studies and prediction algorithms are not available or were not evaluated, and the functional significance of this variant is currently unknown. ClinVar contains an entry for this variant (Variation ID: 1523350). This variant has not been reported in the literature in individuals affected with LAMB1-related conditions. This variant is not present in population databases (gnomAD no frequency). This sequence change creates a premature translational stop signal (p.Thr1728Leufs*3) in the LAMB1 gene. While this is not anticipated to result in nonsense mediated decay, it is expected to disrupt the last 59 amino acid(s) of the LAMB1 protein.